The following is an entry in ClinVar:

NM_002474.3(MYH11):c.4748G>A (p.Arg1583Gln)

Genes: MYH11 (myosin heavy chain 11; minus strand), NDE1 (nudE neurodevelopment protein 1; plus strand). Cytogenetic location: 16p13.11.
Variant type: single nucleotide variant.
Coding change: c.4748G>A on transcript NM_002474.3 (MANE Select); coding-DNA position 4748, G replaced by A.
Protein change: p.Arg1583Gln; replaces arginine 1583 with glutamine.
Molecular consequence: missense variant. On other transcripts: intron variant (2).
Genome position (GRCh38, 1-based): chr16:15,720,882, C>T on the plus strand (G>A on the coding strand, the complement: MYH11 is on the minus strand). VCF-style: chr16-15720882-C-T. GRCh37 (hg19) VCF-style: chr16-15814739-C-T.
Other names: c.4769G>A, p.Arg1590Gln (NM_001040113.2, NM_001040114.2); c.4748G>A, p.Arg1583Gln (NM_022844.3); c.948-3309C>T (NM_001143979.2, NM_017668.3); short protein forms R1590Q, R1583Q.
Identifiers: ClinVar variation 465740 (VCV000465740.57), dbSNP rs775908168, ClinGen allele CA7921576.

ClinVar aggregate classification (germline): Uncertain significance. Review status: criteria provided, multiple submitters, no conflicts (2 of 4 stars). 7 submissions from 7 submitters: Uncertain significance (7). Last evaluated 2026-02-09.

Conditions:
Familial thoracic aortic aneurysm and aortic dissection (TAAD). Also called: Thoracic aortic aneurysms and dissections. Identifiers: Orphanet 91387, MedGen C4707243, MONDO:0019625.
Aortic aneurysm, familial thoracic 4 (AAT4). Also called: AORTIC ANEURYSM/AORTIC DISSECTION AND PATENT DUCTUS ARTERIOSUS. Identifiers: MedGen C1851504, MONDO:0007568, OMIM 132900.

Allele frequency attached by ClinVar (database versions not stated): gnomAD exomes 0.00002; gnomAD 0.00001; TOPMed 0.00001; ExAC 0.00002.
gnomAD v4.1: 20 of 1,613,884 alleles (0.0012%); highest among the groups gnomAD compares: East Asian, 0.0067%; no homozygotes.

Submissions (7):

GeneDx
Classification: Uncertain significance. Last evaluated: 2026-02-09. Review status: criteria provided, single submitter. Criteria: GeneDx Variant Classification Process June 2021. Collection method: clinical testing. Allele origin: germline. Affected: yes.
Comment: Co-segregated with TAAD in two members of one family (PMID: 23099432); In silico analysis supports that this missense variant has a deleterious effect on protein structure/function; Not observed at significant frequency in large population cohorts (gnomAD); This variant is associated with the following publications: (PMID: 23099432)

Women's Health and Genetics/Laboratory Corporation of America, LabCorp
Classification: Uncertain significance. Last evaluated: 2025-07-03. Review status: criteria provided, single submitter. Criteria: LabCorp Variant Classification Summary - May 2015. Collection method: clinical testing. Allele origin: germline.
Comment: Variant summary: MYH11 c.4769G>A (p.Arg1590Gln) results in a conservative amino acid change in the encoded protein sequence. Algorithms developed to predict the effect of missense changes on protein structure and function are either unavailable or do not agree on the potential impact of this missense change. The variant allele was found at a frequency of 2e-05 in 251386 control chromosomes. The available data on variant occurrences in the general population are insufficient to allow any conclusion about variant significance. c.4769G>A has been observed in two individuals from a family affected with Aortopathy (Bee_2012). These report(s) do not provide unequivocal conclusions about association of the variant with Aortopathy. To our knowledge, no experimental evidence demonstrating an impact on protein function has been reported. The following publication has been ascertained in the context of this evaluation (PMID: 23099432). ClinVar contains an entry for this variant (Variation ID: 465740). Based on the evidence outlined above, the variant was classified as uncertain significance.

Ambry Genetics
Classification: Uncertain significance for Familial thoracic aortic aneurysm and aortic dissection. Last evaluated: 2025-02-03. Review status: criteria provided, single submitter. Criteria: Ambry Variant Classification Scheme 2023. Collection method: clinical testing. Allele origin: germline.
Comment: The p.R1583Q variant (also known as c.4748G>A), located in coding exon 32 of the MYH11 gene, results from a G to A substitution at nucleotide position 4748. The arginine at codon 1583 is replaced by glutamine, an amino acid with highly similar properties. This variant (referred to as p.R1590Q) was reported in two individuals from one family with features consistent with thoracic aortic aneurysm and dissection (Bee KJ et al. Circ Cardiovasc Genet, 2012 Dec;5:621-9). This amino acid position is well conserved in available vertebrate species. In addition, the in silico prediction for this alteration is inconclusive. Based on the available evidence, the clinical significance of this variant remains unclear.

Labcorp Genetics (formerly Invitae), Labcorp
Classification: Uncertain significance for Aortic aneurysm, familial thoracic 4. Last evaluated: 2024-10-12. Review status: criteria provided, single submitter. Criteria: Invitae Variant Classification Sherloc (09022015). Collection method: clinical testing. Allele origin: germline.
Comment: This sequence change replaces arginine, which is basic and polar, with glutamine, which is neutral and polar, at codon 1590 of the MYH11 protein (p.Arg1590Gln). The frequency data for this variant in the population databases is considered unreliable, as metrics indicate poor data quality at this position in the gnomAD database. This missense change has been observed in individuals with thoracic aortic aneurysm (PMID: 23099432; internal data). ClinVar contains an entry for this variant (Variation ID: 465740). Invitae Evidence Modeling of protein sequence and biophysical properties (such as structural, functional, and spatial information, amino acid conservation, physicochemical variation, residue mobility, and thermodynamic stability) indicates that this missense variant is not expected to disrupt MYH11 protein function with a negative predictive value of 95%. This variant disrupts the p.Arg1590 (also known as p.Arg1583) amino acid residue in MYH11. Other variant(s) that disrupt this residue have been observed in individuals with MYH11-related conditions (PMID: 29543232), which suggests that this may be a clinically significant amino acid residue. In summary, the available evidence is currently insufficient to determine the role of this variant in disease. Therefore, it has been classified as a Variant of Uncertain Significance.

Color Diagnostics, LLC DBA Color Health
Classification: Uncertain significance for Familial thoracic aortic aneurysm and aortic dissection. Last evaluated: 2024-01-24. Review status: criteria provided, single submitter. Criteria: ACMG Guidelines, 2015. Collection method: clinical testing. Allele origin: germline.
Comment: This missense variant replaces arginine with glutamine at codon 1590 of the MYH11 protein. Computational prediction tool indicates that this variant may have a deleterious impact on protein structure and function. To our knowledge, functional studies have not been reported for this variant. This variant has been reported in an individual along with a first degree relative affected with thoracic aortic aneurysm (PMID: 23099432). This variant has not been identified in the general population by the Genome Aggregation Database (gnomAD). The available evidence is insufficient to determine the role of this variant in disease conclusively. Therefore, this variant is classified as a Variant of Uncertain Significance.

CeGaT Center for Human Genetics Tuebingen
Classification: Uncertain significance. Last evaluated: 2023-02-01. Review status: criteria provided, single submitter. Criteria: CeGaT Center For Human Genetics Tuebingen Variant Classification Criteria Version 2. Collection method: clinical testing. Allele origin: germline. Affected: yes. Observed: 1 variant allele.
Comment: MYH11: PM2, BP5

ARUP Laboratories, Molecular Genetics and Genomics, ARUP Laboratories
Classification: Uncertain significance for Aortic aneurysm, familial thoracic 4. Last evaluated: 2019-06-21. Review status: criteria provided, single submitter. Criteria: ARUP Molecular Germline Variant Investigation Process. Collection method: clinical testing. Allele origin: germline.

Literature cited by the submitters: PubMed 23099432 (cited by 4 submitters); PubMed 29543232 (cited by Labcorp Genetics (formerly Invitae), Labcorp).